The following is an entry in ClinVar:

NM_001025603.2(RFX5):c.1069T>G (p.Ser357Ala)

Gene: RFX5 (regulatory factor X5; minus strand). Cytogenetic location: 1q21.3.
Variant type: single nucleotide variant.
Coding change: c.1069T>G on transcript NM_001025603.2 (MANE Select); coding-DNA position 1069, T replaced by G.
Protein change: p.Ser357Ala; replaces serine 357 with alanine.
Molecular consequence: missense variant.
Genome position (GRCh38, 1-based): chr1:151,342,968, A>C on the plus strand (T>G on the coding strand, the complement: RFX5 is on the minus strand). VCF-style: chr1-151342968-A-C. GRCh37 (hg19) VCF-style: chr1-151315444-A-C.
Other names: c.1069T>G, p.Ser357Ala (NM_000449.4, NM_001379412.1, NM_001379413.1 and 5 more transcripts); c.949T>G, p.Ser317Ala (NM_001379419.1, NM_001379420.1); short protein forms S357A, S317A.
Identifiers: ClinVar variation 1971349 (VCV001971349.4), dbSNP rs772299989, ClinGen allele CA1089674.

ClinVar aggregate classification (germline): Uncertain significance (1 of 4 stars; one submission).

Conditions:
MHC class II deficiency. Also called: Bare lymphocyte syndrome 2; BLS, TYPE II. Identifiers: Orphanet 572, MedGen C5447452, MONDO:0008855.

Allele frequency attached by ClinVar (database versions not stated): gnomAD exomes below 0.00001; ExAC 0.00001.
gnomAD v4.1: 1 of 1,614,120 alleles (0.000062%); highest among the groups gnomAD compares: Admixed American, 0.0017%; no homozygotes.

Submission:

Labcorp Genetics (formerly Invitae), Labcorp
Classification: Uncertain significance for MHC class II deficiency. Last evaluated: 2024-02-12. Review status: criteria provided, single submitter. Criteria: Invitae Variant Classification Sherloc (09022015). Collection method: clinical testing. Allele origin: germline.
Comment: This sequence change replaces serine, which is neutral and polar, with alanine, which is neutral and non-polar, at codon 357 of the RFX5 protein (p.Ser357Ala). This variant is present in population databases (rs772299989, gnomAD 0.003%). This variant has not been reported in the literature in individuals affected with RFX5-related conditions. ClinVar contains an entry for this variant (Variation ID: 1971349). An algorithm developed to predict the effect of missense changes on protein structure and function (PolyPhen-2) suggests that this variant¬†is likely to be tolerated. In summary, the available evidence is currently insufficient to determine the role of this variant in disease. Therefore, it has been classified as a Variant of Uncertain Significance.